The following is an entry in ClinVar:

ClinVar aggregate classification (germline): Uncertain significance (1 of 4 stars; one submission).

Conditions:
Ataxia-telangiectasia syndrome (AT). Also called: Ataxia-telangiectasia, complementation group E; Ataxia telangiectasia (A-T); Cerebello-oculocutaneous telangiectasia; Immunodeficiency with ataxia telangiectasia; Ataxia-telangiectasia, complementation group D; ATAXIA-TELANGIECTASIA, COMPLEMENTATION GROUP A. Identifiers: Orphanet 100, MedGen C0004135, MONDO:0008840, OMIM 208900.

Submission:

Labcorp Genetics (formerly Invitae), Labcorp
Classification: Uncertain significance for Ataxia-telangiectasia syndrome. Last evaluated: 2021-09-25. Review status: criteria provided, single submitter. Criteria: Invitae Variant Classification Sherloc (09022015). Collection method: clinical testing. Allele origin: germline.
Comment: This sequence change replaces arginine with serine at codon 309 of the ATM protein (p.Arg309Ser). The arginine residue is weakly conserved and there is a moderate physicochemical difference between arginine and serine. This variant is not present in population databases (ExAC no frequency). This variant has not been reported in the literature in individuals affected with ATM-related conditions. Advanced modeling of protein sequence and biophysical properties (such as structural, functional, and spatial information, amino acid conservation, physicochemical variation, residue mobility, and thermodynamic stability) performed at Invitae indicates that this missense variant is not expected to disrupt ATM protein function. In summary, the available evidence is currently insufficient to determine the role of this variant in disease. Therefore, it has been classified as a Variant of Uncertain Significance.

NM_000051.4(ATM):c.927A>C (p.Arg309Ser)

Gene: ATM (ATM serine/threonine kinase; plus strand). Cytogenetic location: 11q22.3.
Variant type: single nucleotide variant.
Coding change: c.927A>C on transcript NM_000051.4 (MANE Select); coding-DNA position 927, A replaced by C.
Protein change: p.Arg309Ser; replaces arginine 309 with serine.
Molecular consequence: missense variant.
Genome position (GRCh38, 1-based): chr11:108,246,989, A>C. VCF-style: chr11-108246989-A-C. GRCh37 (hg19) VCF-style: chr11-108117716-A-C.
Other names: c.927A>C, p.Arg309Ser (NM_001351834.2); short protein forms R309S.
Identifiers: ClinVar variation 1971592 (VCV001971592.2), dbSNP rs935834518, ClinGen allele CA382530650.
Genomic context (GRCh38, chr11:108,246,989, plus strand): 5'-ACATAAAAATTACATTTTAATTTTTTGGATTACAGGTGCTTATGAATCAACAAAATGGAG[A>C]AGTATTTTATACAACTTATATGATCTGCTAGTGAATGAGATAAGTCATATAGGAAGTAGA-3'
Protein context (NP_000042.3, residues 299-319): EKGAYESTKW[Arg309Ser]SILYNLYDLL